The following is an entry in ClinVar:

ClinVar aggregate classification (germline): Uncertain significance (1 of 4 stars; one submission).

Submission:

Labcorp Genetics (formerly Invitae), Labcorp
Classification: Uncertain significance. Last evaluated: 2022-03-12. Review status: criteria provided, single submitter. Criteria: Invitae Variant Classification Sherloc (09022015). Collection method: clinical testing. Allele origin: germline.
Comment: In summary, the available evidence is currently insufficient to determine the role of this variant in disease. Therefore, it has been classified as a Variant of Uncertain Significance. Experimental studies and prediction algorithms are not available or were not evaluated, and the effect of this variant on mRNA splicing is currently unknown. This variant has not been reported in the literature in individuals affected with FBXO11-related conditions. Information on the frequency of this variant in the gnomAD database is not available, as this variant may be reported differently in the database. This sequence change falls in intron 1 of the FBXO11 gene. It does not directly change the encoded amino acid sequence of the FBXO11 protein.

NM_001190274.2(FBXO11):c.233-15_233-14delinsCA

Gene: FBXO11 (F-box protein 11; minus strand). Cytogenetic location: 2p16.3.
Variant type: Indel.
Coding change: c.233-15_233-14delinsCA on transcript NM_001190274.2 (MANE Select); 15 bases into the intron before coding-DNA position 233 through 14 bases into the intron before coding-DNA position 233, TT replaced by CA.
Molecular consequence: intron variant.
Genome position (GRCh38, 1-based): chr2:47,839,783-47,839,784, AA replaced by TG on the plus strand (TT replaced by CA on the coding strand, the reverse complement: FBXO11 is on the minus strand). VCF-style: chr2-47839783-AA-TG. GRCh37 (hg19) VCF-style: chr2-48066922-AA-TG.
Other names: c.-20-15_-20-14delinsCA (NM_001374325.1, NM_025133.4).
Identifiers: ClinVar variation 2109883 (VCV002109883.4), dbSNP rs2531265545, ClinGen allele CA2580067123.